The following is an entry in ClinVar:

NM_000321.3(RB1):c.291A>C (p.Glu97Asp)

Gene: RB1 (RB transcriptional corepressor 1; plus strand). Cytogenetic location: 13q14.2.
Variant type: single nucleotide variant.
Coding change: c.291A>C on transcript NM_000321.3 (MANE Select); coding-DNA position 291, A replaced by C.
Protein change: p.Glu97Asp; replaces glutamic acid 97 with aspartic acid.
Molecular consequence: missense variant.
Genome position (GRCh38, 1-based): chr13:48,342,625, A>C. VCF-style: chr13-48342625-A-C. GRCh37 (hg19) VCF-style: chr13-48916761-A-C.
Other names: c.291A>C, p.Glu97Asp (NM_001407165.1, NM_001407166.1); short protein forms E97D.
Identifiers: ClinVar variation 4741760 (VCV004741760.1).

ClinVar aggregate classification (germline): Uncertain significance (1 of 4 stars; one submission).

Conditions:
Retinoblastoma (RB1). Also called: RETINOBLASTOMA, SOMATIC. Identifiers: Orphanet 790, MedGen C0035335, MeSH D012175, MONDO:0008380, OMIM 180200, HP:0009919. Disease mechanism: loss of function. Inheritance: Both sporadic and heritable forms are tested..

Submission:

Labcorp Genetics (formerly Invitae), Labcorp
Classification: Uncertain significance for Retinoblastoma. Last evaluated: 2025-06-20. Review status: criteria provided, single submitter. Criteria: Invitae Variant Classification Sherloc (09022015). Collection method: clinical testing. Allele origin: germline.
Comment: This sequence change replaces glutamic acid, which is acidic and polar, with aspartic acid, which is acidic and polar, at codon 97 of the RB1 protein (p.Glu97Asp). This variant is not present in population databases (gnomAD no frequency). This variant has not been reported in the literature in individuals affected with RB1-related conditions. Invitae Evidence Modeling of protein sequence and biophysical properties (such as structural, functional, and spatial information, amino acid conservation, physicochemical variation, residue mobility, and thermodynamic stability) has been performed for this missense variant. However, the output from this modeling did not meet the statistical confidence thresholds required to predict the impact of this variant on RB1 protein function. In summary, the available evidence is currently insufficient to determine the role of this variant in disease. Therefore, it has been classified as a Variant of Uncertain Significance.